The following is an entry in ClinVar:

ClinVar aggregate classification (germline): Likely pathogenic (0 of 4 stars; one submission).

Conditions:
BBS5-related disorder. Also called: BBS5-related condition.

Submission:

PreventionGenetics, part of Exact Sciences
Classification: Likely pathogenic for BBS5-related condition. Last evaluated: 2023-11-30. Review status: no assertion criteria provided. Collection method: clinical testing. Allele origin: germline.
Comment: The BBS5 c.143-2A>G variant is predicted to disrupt the AG splice acceptor site and interfere with normal splicing. To our knowledge, this variant has not been reported in an individual with a Bardet-Biedl syndrome (BBS) phenotype, but has been reported as a carrier finding in a cohort of healthy individuals (Hanany et al 2020. PubMed ID: 31964843). However, other variants impacting the same splice acceptor site (c.143-1G>A, c.143-1G>C) have been reported in the homozygous and compound heterozygous state in individuals with retinal phenotypes consistent with BBS (Table 1, Villanueva-Mendoza et al. 2021. PubMed ID: 34828430; Torrefranca and Lingao. 2020. PubMed ID: 32811249). This variant is reported in 0.0080% of alleles in individuals of African descent in gnomAD. Variants that disrupt the consensus splice acceptor site in BBS5 are expected to be pathogenic. This variant is interpreted as likely pathogenic.

NM_152384.3(BBS5):c.143-2A>G

Gene: BBS5 (Bardet-Biedl syndrome 5; plus strand). Cytogenetic location: 2q31.1.
Variant type: single nucleotide variant.
Coding change: c.143-2A>G on transcript NM_152384.3 (MANE Select); the canonical splice acceptor site of the intron before coding-DNA position 143, A replaced by G.
Molecular consequence: splice acceptor variant.
Genome position (GRCh38, 1-based): chr2:169,487,067, A>G. VCF-style: chr2-169487067-A-G. GRCh37 (hg19) VCF-style: chr2-170343577-A-G.
Identifiers: ClinVar variation 3349053 (VCV003349053.1).